The following is an entry in ClinVar:

ClinVar aggregate classification (germline): Pathogenic/Likely pathogenic. Review status: criteria provided, multiple submitters, no conflicts (2 of 4 stars). 2 submissions from 2 submitters: Pathogenic (1); Likely pathogenic (1). Last evaluated 2024-10-23.

Conditions:
Hepatic methionine adenosyltransferase deficiency. Also called: MAT I/III DEFICIENCY; Isolated Persistent Hypermethioninemia; Deficiency of methionine adenosyltransferase; Methionine adenosyltransferase deficiency. Identifiers: Orphanet 168598, MedGen C0268621, MeSH C564683, MONDO:0009607, OMIM 250850.

Allele frequency attached by ClinVar (database versions not stated): gnomAD exomes below 0.00001 and 0.00001; TOPMed 0.00001; gnomAD 0.00003.
gnomAD v4.1: 10 of 1,614,082 alleles (0.00062%); highest among the groups gnomAD compares: Non-Finnish European, 0.00085%; no homozygotes.

Submissions (2):

Labcorp Genetics (formerly Invitae), Labcorp
Classification: Pathogenic for Hepatic methionine adenosyltransferase deficiency. Last evaluated: 2024-10-23. Review status: criteria provided, single submitter. Criteria: Invitae Variant Classification Sherloc (09022015). Collection method: clinical testing. Allele origin: germline.
Comment: This sequence change replaces proline, which is neutral and non-polar, with serine, which is neutral and polar, at codon 255 of the MAT1A protein (p.Pro255Ser). This variant is present in population databases (no rsID available, gnomAD 0.002%). This missense change has been observed in individual(s) with clinical features of autosomal dominant hypermethioninemia (PMID: 31061746; internal data). It has also been observed to segregate with disease in related individuals. ClinVar contains an entry for this variant (Variation ID: 378112). Invitae Evidence Modeling of protein sequence and biophysical properties (such as structural, functional, and spatial information, amino acid conservation, physicochemical variation, residue mobility, and thermodynamic stability) has been performed for this missense variant. However, the output from this modeling did not meet the statistical confidence thresholds required to predict the impact of this variant on MAT1A protein function. For these reasons, this variant has been classified as Pathogenic.

GeneDx
Classification: Likely pathogenic. Last evaluated: 2017-10-05. Review status: criteria provided, single submitter. Criteria: GeneDx Variant Classification (06012015). Collection method: clinical testing. Allele origin: germline. Affected: yes.
Comment: The P255S variant has not been published as a pathogenic variant, nor has it been reported as a benign variant to our knowledge. The P255S variant is not observed in large population cohorts (Lek et al., 2016). The P255S variant is a non-conservative amino acid substitution, which is likely to impact secondary protein structure as these residues differ in polarity, charge, size and/or other properties. This substitution occurs at a position that is conserved across species, and in silico analysis predicts this variant is probably damaging to the protein structure/function. Furthermore, P255 is located in a region of the MAT1A protein (F250-A259) that is highly conserved and is believed to be involved in methionine positioning in the active site (, and multiple missense variants in nearby residues (I252T, G257R, D258G, A259V) have been reported in the Human Gene Mutation Database in association with methionine adenosyltransferase I/III (MAT I/III) deficiency (Stenson et al., 2014), supporting the functional importance of this region of the protein. In summary, we interpret this variant as likely pathogenic.

Literature cited by the submitters: PubMed 31061746 (cited by Labcorp Genetics (formerly Invitae), Labcorp).

NM_000429.3(MAT1A):c.763C>T (p.Pro255Ser)

Gene: MAT1A (methionine adenosyltransferase 1A; minus strand). Cytogenetic location: 10q22.3.
Variant type: single nucleotide variant.
Coding change: c.763C>T on transcript NM_000429.3 (MANE Select); coding-DNA position 763, C replaced by T.
Protein change: p.Pro255Ser; replaces proline 255 with serine.
Molecular consequence: missense variant.
Genome position (GRCh38, 1-based): chr10:80,276,381, G>A on the plus strand (C>T on the coding strand, the complement: MAT1A is on the minus strand). VCF-style: chr10-80276381-G-A. GRCh37 (hg19) VCF-style: chr10-82036137-G-A.
Other names: short protein forms P255S.
Identifiers: ClinVar variation 378112 (VCV000378112.14), dbSNP rs913435613, ClinGen allele CA16605940.